The following is an entry in ClinVar:

NM_001081550.2(THOC2):c.4431C>G (p.Asp1477Glu)

Gene: THOC2 (THO complex subunit 2; minus strand). Cytogenetic location: Xq25.
Variant type: single nucleotide variant.
Coding change: c.4431C>G on transcript NM_001081550.2 (MANE Select); coding-DNA position 4431, C replaced by G.
Protein change: p.Asp1477Glu; replaces aspartic acid 1477 with glutamic acid.
Molecular consequence: missense variant.
Genome position (GRCh38, 1-based): chrX:123,614,070, G>C on the plus strand (C>G on the coding strand, the complement: THOC2 is on the minus strand). VCF-style: chrX-123614070-G-C. GRCh37 (hg19) VCF-style: chrX-122747921-G-C.
Other names: short protein forms D1477E.
Identifiers: ClinVar variation 2663539 (VCV002663539.18), dbSNP rs922460485, ClinGen allele CA414261485.

ClinVar aggregate classification (germline): Uncertain significance. Review status: criteria provided, multiple submitters, no conflicts (2 of 4 stars). 2 submissions from 2 submitters: Uncertain significance (2). Last evaluated 2025-03-30.

Submissions (2):

GeneDx
Classification: Uncertain significance. Last evaluated: 2025-03-30. Review status: criteria provided, single submitter. Criteria: GeneDx Variant Classification Process June 2021. Collection method: clinical testing. Allele origin: germline.
Comment: In silico analysis supports that this missense variant has a deleterious effect on protein structure/function; Has not been previously published as pathogenic or benign to our knowledge

CeGaT Center for Human Genetics Tuebingen
Classification: Uncertain significance. Last evaluated: 2024-08-01. Review status: criteria provided, single submitter. Criteria: CeGaT Center For Human Genetics Tuebingen Variant Classification Criteria Version 2. Collection method: clinical testing. Allele origin: germline. Affected: yes. Observed: 1 variant allele.
Comment: THOC2: PM2